The following is an entry in ClinVar:

ClinVar aggregate classification (germline): Pathogenic (1 of 4 stars; one submission).

Conditions:
Gorlin syndrome. Also called: Basal cell nevus syndrome; Nevoid Basal Cell Carcinoma Syndrome. Identifiers: Orphanet 377, MedGen C0004779, MONDO:0007187.

Submissions (2):

Labcorp Genetics (formerly Invitae), Labcorp
Classification: Pathogenic for Gorlin syndrome. Last evaluated: 2024-09-09. Review status: criteria provided, single submitter. Criteria: Invitae Variant Classification Sherloc (09022015). Collection method: clinical testing. Allele origin: germline.
Comment: This sequence change affects a donor splice site in intron 5 of the PTCH1 gene. It is expected to disrupt RNA splicing. Variants that disrupt the donor or acceptor splice site typically lead to a loss of protein function (PMID: 16199547), and loss-of-function variants in PTCH1 are known to be pathogenic (PMID: 16301862, 16419085). This variant is not present in population databases (gnomAD no frequency). Disruption of this splice site has been observed in individual(s) with clinical features of basal cell nevus syndrome (internal data). In at least one individual the variant was observed to be de novo. Algorithms developed to predict the effect of sequence changes on RNA splicing suggest that this variant may disrupt the consensus splice site. For these reasons, this variant has been classified as Pathogenic.

Dr. Peter K. Rogan Lab, Western University
No classification provided (evidence only). Condition: Ovarian serous cystadenocarcinoma. Review status: no classification provided. Collection method: in vitro. Allele origin: not applicable. Functional consequence: retained intron. Not counted in ClinVar's aggregate classification.

Literature cited by the submitters: PubMed 16199547 (cited by Labcorp Genetics (formerly Invitae), Labcorp); PubMed 16301862 (cited by Labcorp Genetics (formerly Invitae), Labcorp); PubMed 16419085 (cited by Labcorp Genetics (formerly Invitae), Labcorp).

NM_000264.5(PTCH1):c.746+1G>T

Gene: PTCH1 (patched 1; minus strand). Cytogenetic location: 9q22.32.
Variant type: single nucleotide variant.
Coding change: c.746+1G>T on transcript NM_000264.5 (MANE Select); the canonical splice donor site of the intron after coding-DNA position 746, G replaced by T.
Molecular consequence: splice donor variant. On other transcripts: synonymous variant (1).
Genome position (GRCh38, 1-based): chr9:95,481,948, C>A on the plus strand (G>T on the coding strand, the complement: PTCH1 is on the minus strand). VCF-style: chr9-95481948-C-A. GRCh37 (hg19) VCF-style: chr9-98244230-C-A.
Other names: c.549G>T, p.Leu183= (NM_001354919.2); c.743+1G>T (NM_001083603.3); c.548+1G>T (NM_001083602.3); c.746+1G>T (NM_001354918.2); c.293+1G>T (NM_001083605.3, NM_001083604.3, NM_001083606.3 and 1 more transcripts).
Identifiers: ClinVar variation 3720887 (VCV003720887.3).
Genomic context (GRCh38, chr9:95,481,948, plus strand): 5'-CATTAGAAACACTGAGTCCTAGAGAAGTCACAGACATCAGAAAGCATGATCACACACTTA[C>A]AGGAGGTATGCTGTCCCAGACTGTAATTTCGCCCCTTCCCAGAAGCAGTCCAAAGGTGTA-3'